The following is an entry in ClinVar:

NR_003051.4(RMRP):n.89G>A

Gene: RMRP (RNA component of mitochondrial RNA processing endoribonuclease; minus strand). Cytogenetic location: 9p13.3.
Variant type: single nucleotide variant.
Genome position: GRCh38 VCF-style: chr9-35657931-C-T. GRCh37 (hg19) VCF-style: chr9-35657928-C-T.
Identifiers: ClinVar variation 852112 (VCV000852112.11), dbSNP rs1264110860, ClinGen allele CA464450830.

ClinVar aggregate classification (germline): Uncertain significance. Review status: criteria provided, single submitter (1 of 4 stars). 2 submissions from 2 submitters: Uncertain significance (1). 1 of the submissions does not count toward it. Last evaluated 2023-12-11.

Conditions:
Metaphyseal chondrodysplasia, McKusick type (CHH). Also called: Cartilage-hair hypoplasia; Cartilage-Hair Hypoplasia (CHH). Identifiers: Orphanet 175, MedGen C0220748, MONDO:0009595, OMIM 250250.
Anauxetic dysplasia. Identifiers: Orphanet 93347, MedGen C1846796, MONDO:0011773.

Allele frequency attached by ClinVar (database versions not stated): TOPMed 0.00001.
gnomAD v4.1: 4 of 700,426 alleles (0.00057%); highest among the groups gnomAD compares: Admixed American, 0.002%; no homozygotes.

Submissions (2):

Labcorp Genetics (formerly Invitae), Labcorp
Classification: Uncertain significance for Anauxetic dysplasia. Last evaluated: 2023-12-11. Review status: criteria provided, single submitter. Criteria: Invitae Variant Classification Sherloc (09022015). Collection method: clinical testing. Allele origin: germline.
Comment: This variant occurs in the RMRP gene, which encodes an RNA molecule that does not result in a protein product. This variant is present in population databases (no rsID available, gnomAD 0.004%). This variant has not been reported in the literature in individuals affected with RMRP-related conditions. ClinVar contains an entry for this variant (Variation ID: 852112). Experimental studies and prediction algorithms are not available or were not evaluated, and the functional significance of this variant is currently unknown. In summary, the available evidence is currently insufficient to determine the role of this variant in disease. Therefore, it has been classified as a Variant of Uncertain Significance.

Natera, Inc.
Classification: Uncertain significance for Cartilage-hair hypoplasia. Last evaluated: 2020-07-31. Review status: no assertion criteria provided. Collection method: clinical testing. Allele origin: germline. Not counted in ClinVar's aggregate classification.